The following is an entry in ClinVar:

ClinVar aggregate classification (germline): Uncertain significance (0 of 4 stars; one submission).

Conditions:
RAI1-related disorder. Also called: RAI1-related condition.

Submission:

PreventionGenetics, part of Exact Sciences
Classification: Uncertain significance for RAI1-related condition. Last evaluated: 2024-05-10. Review status: no assertion criteria provided. Collection method: clinical testing. Allele origin: germline.
Comment: The RAI1 c.1325T>C variant is predicted to result in the amino acid substitution p.Val442Ala. To our knowledge, this variant has not been reported in the literature or in a large population database, indicating this variant is rare. At this time, the clinical significance of this variant is uncertain due to the absence of conclusive functional and genetic evidence.

NM_030665.4(RAI1):c.1325T>C (p.Val442Ala)

Gene: RAI1 (retinoic acid induced 1; plus strand). Cytogenetic location: 17p11.2.
Variant type: single nucleotide variant.
Coding change: c.1325T>C on transcript NM_030665.4 (MANE Select); coding-DNA position 1325, T replaced by C.
Protein change: p.Val442Ala; replaces valine 442 with alanine.
Molecular consequence: missense variant.
Genome position (GRCh38, 1-based): chr17:17,794,273, T>C. VCF-style: chr17-17794273-T-C. GRCh37 (hg19) VCF-style: chr17-17697587-T-C.
Other names: short protein forms V442A.
Identifiers: ClinVar variation 3345529 (VCV003345529.1).